The following is an entry in ClinVar:

NM_020719.3(PRR12):c.5438G>A (p.Gly1813Glu)

Gene: PRR12 (proline rich 12; plus strand). Cytogenetic location: 19q13.33.
Variant type: single nucleotide variant.
Coding change: c.5438G>A on transcript NM_020719.3 (MANE Select); coding-DNA position 5438, G replaced by A.
Protein change: p.Gly1813Glu; replaces glycine 1813 with glutamic acid.
Molecular consequence: missense variant.
Genome position (GRCh38, 1-based): chr19:49,616,160, G>A. VCF-style: chr19-49616160-G-A. GRCh37 (hg19) VCF-style: chr19-50119417-G-A.
Other names: short protein forms G1813E.
Identifiers: ClinVar variation 4848827 (VCV004848827.1).

ClinVar aggregate classification (germline): Uncertain significance (1 of 4 stars; one submission).

Submission:

Women's Health and Genetics/Laboratory Corporation of America, LabCorp
Classification: Uncertain significance. Last evaluated: 2026-04-07. Review status: criteria provided, single submitter. Criteria: LabCorp Variant Classification Summary - May 2015. Collection method: clinical testing. Allele origin: germline.
Comment: Variant summary: PRR12 c.5438G>A (p.Gly1813Glu) results in a non-conservative amino acid change in the encoded protein sequence. Algorithms developed to predict the effect of missense changes on protein structure and function are either unavailable or do not agree on the potential impact of this missense change. The frequency data for this variant in gnomAD is considered unreliable, as metrics indicate poor data quality at this position. To our knowledge, no occurrence of c.5438G>A in individuals affected with PRR12-related conditions and no experimental evidence demonstrating its impact on protein function have been reported. No submitters have cited clinical-significance assessments for this variant to ClinVar. Based on the evidence outlined above, the variant was classified as uncertain significance.